The following is an entry in ClinVar:

NM_001377304.1(GFI1B):c.648+4G>T

Gene: GFI1B (growth factor independent 1B transcriptional repressor; plus strand). Cytogenetic location: 9q34.13.
Variant type: single nucleotide variant.
Coding change: c.648+4G>T on transcript NM_001377304.1 (MANE Select); 4 bases into the intron after coding-DNA position 648, G replaced by T.
Molecular consequence: intron variant.
Genome position (GRCh38, 1-based): chr9:132,989,202, G>T. VCF-style: chr9-132989202-G-T. GRCh37 (hg19) VCF-style: chr9-135864589-G-T.
Other names: c.648+4G>T (NM_004188.8, NM_001371908.1); c.511-540G>T (NM_001135031.2, NM_001377305.1).
Identifiers: ClinVar variation 1337036 (VCV001337036.5), dbSNP rs200207746, ClinGen allele CA5302027.

ClinVar aggregate classification (germline): Uncertain significance (1 of 4 stars; one submission).

Conditions:
Platelet-type bleeding disorder 17 (BDPLT17). Also called: Thrombasthenia-thrombocytopenia, hereditary. Identifiers: Orphanet 721, MedGen C1861194, MONDO:0008553, OMIM 187900.

Allele frequency attached by ClinVar (database versions not stated): TOPMed 0.00002; ExAC 0.00003; gnomAD 0.00003.
gnomAD v4.1: 71 of 1,611,322 alleles (0.0044%); highest among the groups gnomAD compares: Non-Finnish European, 0.0059%; no homozygotes.

Submission:

Genetic Services Laboratory, University of Chicago
Classification: Uncertain significance. Last evaluated: 2019-02-21. Review status: criteria provided, single submitter. Criteria: ACMG Guidelines, 2015. Collection method: clinical testing. Allele origin: germline. Affected: no.